The following is an entry in ClinVar:

NM_000020.3(ACVRL1):c.853C>T (p.Leu285Phe)

Gene: ACVRL1 (activin A receptor like type 1; plus strand). Cytogenetic location: 12q13.13.
Variant type: single nucleotide variant.
Coding change: c.853C>T on transcript NM_000020.3 (MANE Select); coding-DNA position 853, C replaced by T.
Protein change: p.Leu285Phe; replaces leucine 285 with phenylalanine.
Molecular consequence: missense variant.
Genome position (GRCh38, 1-based): chr12:51,915,305, C>T. VCF-style: chr12-51915305-C-T. GRCh37 (hg19) VCF-style: chr12-52309089-C-T.
Other names: c.853C>T, p.Leu285Phe (NM_001077401.2); short protein forms L285F.
Identifiers: ClinVar variation 426018 (VCV000426018.14), dbSNP rs1085307410, ClinGen allele CA384900562.

ClinVar aggregate classification (germline): Pathogenic/Likely pathogenic. Review status: criteria provided, multiple submitters, no conflicts (2 of 4 stars). 4 submissions from 4 submitters: Pathogenic (1); Likely pathogenic (2). 1 of the submissions does not count toward it. Last evaluated 2025-02-12.

Conditions:
Cardiovascular phenotype. Identifiers: MedGen CN230736.
Telangiectasia, hereditary hemorrhagic, type 2 (HHT2). Also called: ACVRL1-Related Hereditary Hemorrhagic Telangiectasia; Telangiectasia, hereditary hemorrhagic, type II. Identifiers: Orphanet 774, MedGen C1838163, MONDO:0010880, OMIM 600376. Disease mechanism: loss of function.
Pulmonary hypertension, primary, 1 (PPH1). Also called: Pulmonary hypertension, familial primary, 1, with or without HHT. Identifiers: Orphanet 422, MedGen C4552070, MONDO:0024533, OMIM 178600.

Submissions (4):

Labcorp Genetics (formerly Invitae), Labcorp
Classification: Pathogenic for Telangiectasia, hereditary hemorrhagic, type 2. Last evaluated: 2025-02-12. Review status: criteria provided, single submitter. Criteria: Invitae Variant Classification Sherloc (09022015). Collection method: clinical testing. Allele origin: germline.
Comment: This sequence change replaces leucine, which is neutral and non-polar, with phenylalanine, which is neutral and non-polar, at codon 285 of the ACVRL1 protein (p.Leu285Phe). This variant is not present in population databases (gnomAD no frequency). This missense change has been observed in individuals with hereditary hemorrhagic telangiectasia (PMID: 15024723, 21158752, 31400083; internal data). ClinVar contains an entry for this variant (Variation ID: 426018). Invitae Evidence Modeling of protein sequence and biophysical properties (such as structural, functional, and spatial information, amino acid conservation, physicochemical variation, residue mobility, and thermodynamic stability) indicates that this missense variant is expected to disrupt ACVRL1 protein function with a positive predictive value of 95%. This variant disrupts the p.Leu285 amino acid residue in ACVRL1. Other variant(s) that disrupt this residue have been observed in individuals with ACVRL1-related conditions (PMID: 22632830), which suggests that this may be a clinically significant amino acid residue. For these reasons, this variant has been classified as Pathogenic.

Ambry Genetics
Classification: Likely pathogenic for Cardiovascular phenotype. Last evaluated: 2022-09-13. Review status: criteria provided, single submitter. Criteria: Ambry Variant Classification Scheme 2023. Collection method: clinical testing. Allele origin: germline.
Comment: The p.L285F variant (also known as c.853C>T), located in coding exon 6 of the ACVRL1 gene, results from a C to T substitution at nucleotide position 853. The leucine at codon 285 is replaced by phenylalanine, an amino acid with highly similar properties. This variant has been detected in individuals meeting diagnostic criteria for hereditary hemorrhagic telangiectasia (HHT) and in HHT cohorts (Lesca G et al, Hum. Mutat. 2004 Apr; 23(4):289-99; McDonald J et al. Clin Genet. 2011 Apr;79(4):335-44; Zhao Y. Mol Genet Genomic Med. 2019 09;7(9):e893; Ambry internal data). This variant is considered to be rare based on population cohorts in the Genome Aggregation Database (gnomAD). This amino acid position is highly conserved in available vertebrate species. In addition, this alteration is predicted to be deleterious by in silico analysis. Based on the majority of available evidence to date, this variant is likely to be pathogenic.

Greenwood Genetic Center Diagnostic Laboratories, Greenwood Genetic Center
Classification: Likely pathogenic for Telangiectasia, hereditary hemorrhagic, type 2. Last evaluated: 2022-01-22. Review status: criteria provided, single submitter. Criteria: ACMG Guidelines, 2015. Collection method: clinical testing. Allele origin: germline. Affected: yes.
Comment: PS4_Moderate, PM2, PM1, PP3

Rare Disease Genomics Group, St George's University of London
Classification: Pathogenic for Primary pulmonary hypertension. Review status: no assertion criteria provided. Collection method: literature only. Allele origin: germline. Affected: yes. Not counted in ClinVar's aggregate classification.

Literature cited by the submitters: PubMed 15024723 (cited by Labcorp Genetics (formerly Invitae), Labcorp and Ambry Genetics); PubMed 21158752 (cited by Labcorp Genetics (formerly Invitae), Labcorp and Ambry Genetics); PubMed 31400083 (cited by Labcorp Genetics (formerly Invitae), Labcorp and Ambry Genetics); PubMed 22632830 (cited by Labcorp Genetics (formerly Invitae), Labcorp); PubMed 26387786 (cited by Ambry Genetics and Rare Disease Genomics Group, St George's University of London).